The following is an entry in ClinVar:

ClinVar aggregate classification (germline): Uncertain significance (1 of 4 stars; one submission).

Submission:

Ambry Genetics
Classification: Uncertain significance. Last evaluated: 2023-02-09. Review status: criteria provided, single submitter. Criteria: Ambry Variant Classification Scheme 2023. Collection method: clinical testing. Allele origin: germline.
Comment: The p.E2209G variant (also known as c.6626A>G), located in coding exon 50 of the PRKDC gene, results from an A to G substitution at nucleotide position 6626. The glutamic acid at codon 2209 is replaced by glycine, an amino acid with similar properties. This amino acid position is conserved. Since supporting evidence is limited at this time, the clinical significance of this alteration remains unclear.

NM_006904.7(PRKDC):c.6626A>G (p.Glu2209Gly)

Gene: PRKDC (protein kinase, DNA-activated, catalytic subunit; minus strand). Cytogenetic location: 8q11.21.
Variant type: single nucleotide variant.
Coding change: c.6626A>G on transcript NM_006904.7 (MANE Select); coding-DNA position 6626, A replaced by G.
Protein change: p.Glu2209Gly; replaces glutamic acid 2209 with glycine.
Molecular consequence: missense variant.
Genome position (GRCh38, 1-based): chr8:47,855,357, T>C on the plus strand (A>G on the coding strand, the complement: PRKDC is on the minus strand). VCF-style: chr8-47855357-T-C. GRCh37 (hg19) VCF-style: chr8-48767918-T-C.
Other names: c.6626A>G, p.Glu2209Gly (NM_001081640.2); short protein forms E2209G.
Identifiers: ClinVar variation 2449880 (VCV002449880.2), dbSNP rs2551869497, ClinGen allele CA371159710.